The following is an entry in ClinVar:

NM_001394062.1(MACF1):c.11119G>T (p.Ala3707Ser)

Gene: MACF1 (microtubule actin crosslinking factor 1; plus strand). Cytogenetic location: 1p34.3.
Variant type: single nucleotide variant.
Coding change: c.11119G>T on transcript NM_001394062.1 (MANE Select); coding-DNA position 11119, G replaced by T.
Protein change: p.Ala3707Ser; replaces alanine 3707 with serine.
Molecular consequence: missense variant.
Genome position (GRCh38, 1-based): chr1:39,350,938, G>T. VCF-style: chr1-39350938-G-T. GRCh37 (hg19) VCF-style: chr1-39816610-G-T.
Other names: c.4933G>T, p.Ala1645Ser (NM_012090.5); short protein forms A1645S, A3707S.
Identifiers: ClinVar variation 3357110 (VCV003357110.2).

ClinVar aggregate classification (germline): Likely benign. Review status: criteria provided, single submitter (1 of 4 stars). 2 submissions from 2 submitters: Likely benign (1). 1 of the submissions does not count toward it. Last evaluated 2022-05-26.

Conditions:
MACF1-related disorder. Also called: MACF1-related condition.
Lissencephaly 9 with complex brainstem malformation. Identifiers: Orphanet 572013, MedGen C5193029, MONDO:0032677, OMIM 618325.

gnomAD v4.1: 595 of 1,614,020 alleles (0.037%); highest among the groups gnomAD compares: Non-Finnish European, 0.048%; no homozygotes.

Submissions (2):

Department of Pathology and Laboratory Medicine, Sinai Health System
Classification: Likely benign for Lissencephaly 9 with complex brainstem malformation. Last evaluated: 2022-05-26. Review status: criteria provided, single submitter. Criteria: ACMG Guidelines, 2015. Collection method: research. Allele origin: germline.

PreventionGenetics, part of Exact Sciences
Classification: Likely benign for MACF1-related condition. Last evaluated: 2024-04-02. Review status: no assertion criteria provided. Collection method: clinical testing. Allele origin: germline. Not counted in ClinVar's aggregate classification.
Comment: This variant is classified as likely benign based on ACMG/AMP sequence variant interpretation guidelines (Richards et al. 2015 PMID: 25741868, with internal and published modifications).